The following is an entry in ClinVar:

ClinVar aggregate classification (germline): Uncertain significance. Review status: criteria provided, multiple submitters, no conflicts (2 of 4 stars). 4 submissions from 4 submitters: Uncertain significance (4). Last evaluated 2023-12-18.

Conditions:
Hypoplastic pancreas-intestinal atresia-hypoplastic gallbalder syndrome. Also called: DIABETES, NEONATAL, WITH PANCREATIC HYPOPLASIA, INTESTINAL ATRESIA, AND GALLBLADDER APLASIA OR HYPOPLASIA; Mitchell-Riley syndrome. Identifiers: Orphanet 293864, MedGen C2748662, MONDO:0017400, OMIM 615710.
Inborn genetic diseases. Identifiers: MedGen C0950123, MeSH D030342.
RFX6-related disorder. Also called: RFX6-related condition.

Allele frequency attached by ClinVar (database versions not stated): gnomAD exomes 0.00002; TOPMed 0.00015; ESP Exome Variant Server 0.00023; ExAC 0.00006; gnomAD 0.00017.
gnomAD v4.1: 55 of 1,612,650 alleles (0.0034%); highest among the groups gnomAD compares: African/African-American, 0.069%; no homozygotes.

Submissions (4):

GeneDx
Classification: Uncertain significance. Last evaluated: 2023-12-18. Review status: criteria provided, single submitter. Criteria: GeneDx Variant Classification Process June 2021. Collection method: clinical testing. Allele origin: germline. Affected: yes.
Comment: In silico analysis supports that this missense variant has a deleterious effect on protein structure/function; Has not been previously published as pathogenic or benign to our knowledge

PreventionGenetics, part of Exact Sciences
Classification: Uncertain significance for RFX6-related condition. Last evaluated: 2023-03-24. Review status: criteria provided, single submitter. Criteria: ACMG Guidelines, 2015. Collection method: clinical testing. Allele origin: germline.
Comment: The RFX6 c.389A>G variant is predicted to result in the amino acid substitution p.Glu130Gly. To our knowledge, this variant has not been reported in the literature. This variant is reported in 0.060% of alleles in individuals of African descent in gnomAD. At this time, the clinical significance of this variant is uncertain due to the absence of conclusive functional and genetic evidence.

New York Genome Center
Classification: Uncertain significance for Hypoplastic pancreas-intestinal atresia-hypoplastic gallbalder syndrome. Last evaluated: 2022-03-14. Review status: criteria provided, single submitter. Criteria: NYGC Assertion Criteria 2020. Collection method: clinical testing. Allele origin: germline. Observed: 1 heterozygote.

Ambry Genetics
Classification: Uncertain significance for Inborn genetic diseases. Last evaluated: 2021-10-06. Review status: criteria provided, single submitter. Criteria: Ambry Variant Classification Scheme 2023. Collection method: clinical testing. Allele origin: germline.

NM_173560.4(RFX6):c.389A>G (p.Glu130Gly)

Gene: RFX6 (regulatory factor X6; plus strand). Cytogenetic location: 6q22.1.
Variant type: single nucleotide variant.
Coding change: c.389A>G on transcript NM_173560.4 (MANE Select); coding-DNA position 389, A replaced by G.
Protein change: p.Glu130Gly; replaces glutamic acid 130 with glycine.
Molecular consequence: missense variant.
Genome position (GRCh38, 1-based): chr6:116,880,552, A>G. VCF-style: chr6-116880552-A-G. GRCh37 (hg19) VCF-style: chr6-117201715-A-G.
Other names: short protein forms E130G.
Identifiers: ClinVar variation 2381618 (VCV002381618.5), dbSNP rs145678004, ClinGen allele CA3973019.